The following is an entry in ClinVar:

ClinVar aggregate classification (germline): Benign (1 of 4 stars; one submission).

Conditions:
Familial infantile myoclonic epilepsy (FIME). Also called: TBC1D24-Related Familial Infantile Myoclonic Epilepsy (FIME); Epilepsy, Myoclonic, Infantile. Identifiers: Orphanet 352582, MedGen C0917800, MONDO:0011506, OMIM 605021.

Allele frequency attached by ClinVar (database versions not stated): 1000 Genomes Project 30x 0.02108; TOPMed 0.02212; 1000 Genomes Project 0.02057.

Submission:

Illumina Laboratory Services, Illumina
Classification: Benign for Familial infantile myoclonic epilepsy. Last evaluated: 2018-01-12. Review status: criteria provided, single submitter. Criteria: ICSL Variant Classification Criteria 13 December 2019. Collection method: clinical testing. Allele origin: germline.
Comment: This variant was observed in the ICSL laboratory as part of a predisposition screen in an ostensibly healthy population. It had not been previously curated by ICSL or reported in the Human Gene Mutation Database (HGMD: prior to June 1st, 2018), and was therefore a candidate for classification through an automated scoring system. Utilizing variant allele frequency, disease prevalence and penetrance estimates, and inheritance mode, an automated score was calculated to assess if this variant is too frequent to cause the disease. Based on the score and internal cut-off values, a variant classified as benign is not then subjected to further curation. The score for this variant resulted in a classification of benign for this disease.

NM_001199107.2(TBC1D24):c.*2598G>C

Gene: TBC1D24 (TBC1 domain family member 24; plus strand). Cytogenetic location: 16p13.3.
Variant type: single nucleotide variant.
Coding change: c.*2598G>C on transcript NM_001199107.2 (MANE Select); 2598 bases downstream of the stop codon, G replaced by C.
Molecular consequence: 3 prime UTR variant.
Genome position (GRCh38, 1-based): chr16:2,503,556, G>C. VCF-style: chr16-2503556-G-C. GRCh37 (hg19) VCF-style: chr16-2553557-G-C.
Other names: c.*2598G>C (NM_020705.3).
Identifiers: ClinVar variation 318664 (VCV000318664.5), dbSNP rs13336179, ClinGen allele CA10647248.
Genomic context (GRCh38, chr16:2,503,556, plus strand): 5'-AAAGCCAACATTTGTTGAAACTGCATAATAAATTATCATTTGTTTTTAGAAACATTCAAA[G>C]AATTATTTTTTGATTTTTTTTTTTTTTGGGACAGAGTCACCCAGGCTGGAGTGCAGTGGC-3'